The following is an entry in ClinVar:

NM_001127208.3(TET2):c.4790T>C (p.Phe1597Ser)

Genes: TET2 (tet methylcytosine dioxygenase 2; plus strand), TET2-AS1 (TET2 antisense RNA 1; minus strand). Cytogenetic location: 4q24.
Variant type: single nucleotide variant.
Coding change: c.4790T>C on transcript NM_001127208.3 (MANE Select); coding-DNA position 4790, T replaced by C.
Protein change: p.Phe1597Ser; replaces phenylalanine 1597 with serine.
Molecular consequence: missense variant.
Genome position (GRCh38, 1-based): chr4:105,275,300, T>C. VCF-style: chr4-105275300-T-C. GRCh37 (hg19) VCF-style: chr4-106196457-T-C.
Other names: short protein forms F1597S.
Identifiers: ClinVar variation 2972405 (VCV002972405.3), dbSNP rs1333997630, ClinGen allele CA357813397.

ClinVar aggregate classification (germline): Uncertain significance (1 of 4 stars; one submission).

Allele frequency attached by ClinVar (database versions not stated): TOPMed below 0.00001.

Submission:

Labcorp Genetics (formerly Invitae), Labcorp
Classification: Uncertain significance. Last evaluated: 2023-12-01. Review status: criteria provided, single submitter. Criteria: Invitae Variant Classification Sherloc (09022015). Collection method: clinical testing. Allele origin: germline.
Comment: This sequence change replaces phenylalanine, which is neutral and non-polar, with serine, which is neutral and polar, at codon 1597 of the TET2 protein (p.Phe1597Ser). This variant is present in population databases (no rsID available, gnomAD 0.002%). This variant has not been reported in the literature in individuals affected with TET2-related conditions. An algorithm developed to predict the effect of missense changes on protein structure and function (PolyPhen-2) suggests that this variant is likely to be tolerated. In summary, the available evidence is currently insufficient to determine the role of this variant in disease. Therefore, it has been classified as a Variant of Uncertain Significance.